The following is an entry in ClinVar:

ClinVar aggregate classification (germline): Uncertain significance (1 of 4 stars; one submission).

Conditions:
Dilated cardiomyopathy 1HH (CMD1HH). Identifiers: Orphanet 154, MedGen C3151293, MONDO:0013479, OMIM 613881.
Myofibrillar myopathy 6. Identifiers: Orphanet 199340, MedGen C2751831, MONDO:0013061, OMIM 612954.

gnomAD v4.1: 7 of 1,614,134 alleles (0.00043%); highest among the groups gnomAD compares: Non-Finnish European, 0.00059%; no homozygotes.

Submission:

Labcorp Genetics (formerly Invitae), Labcorp
Classification: Uncertain significance for Dilated cardiomyopathy 1HH; Myofibrillar myopathy 6. Last evaluated: 2025-08-15. Review status: criteria provided, single submitter. Criteria: Invitae Variant Classification Sherloc (09022015). Collection method: clinical testing. Allele origin: germline.
Comment: This sequence change replaces alanine, which is neutral and non-polar, with proline, which is neutral and non-polar, at codon 382 of the BAG3 protein (p.Ala382Pro). This variant is present in population databases (no rsID available, gnomAD 0.0009%). This variant has not been reported in the literature in individuals affected with BAG3-related conditions. Invitae Evidence Modeling of protein sequence and biophysical properties (such as structural, functional, and spatial information, amino acid conservation, physicochemical variation, residue mobility, and thermodynamic stability) indicates that this missense variant is not expected to disrupt BAG3 protein function with a negative predictive value of 80%. In summary, the available evidence is currently insufficient to determine the role of this variant in disease. Therefore, it has been classified as a Variant of Uncertain Significance.

NM_004281.4(BAG3):c.1144G>C (p.Ala382Pro)

Gene: BAG3 (BAG cochaperone 3; plus strand). Cytogenetic location: 10q26.11.
Variant type: single nucleotide variant.
Coding change: c.1144G>C on transcript NM_004281.4 (MANE Select); coding-DNA position 1144, G replaced by C.
Protein change: p.Ala382Pro; replaces alanine 382 with proline.
Molecular consequence: missense variant.
Genome position (GRCh38, 1-based): chr10:119,676,698, G>C. VCF-style: chr10-119676698-G-C. GRCh37 (hg19) VCF-style: chr10-121436210-G-C.
Other names: short protein forms A382P.
Identifiers: ClinVar variation 4791195 (VCV004791195.1).